The following is an entry in ClinVar:

NM_016373.4(WWOX):c.606-17G>C

Gene: WWOX (WW domain containing oxidoreductase; plus strand). Cytogenetic location: 16q23.1.
Variant type: single nucleotide variant.
Coding change: c.606-17G>C on transcript NM_016373.4 (MANE Select); 17 bases into the intron before coding-DNA position 606, G replaced by C.
Molecular consequence: intron variant.
Genome position (GRCh38, 1-based): chr16:78,424,853, G>C. VCF-style: chr16-78424853-G-C. GRCh37 (hg19) VCF-style: chr16-78458750-G-C.
Other names: c.267-17G>C (NM_001291997.2).
Identifiers: ClinVar variation 384551 (VCV000384551.1), dbSNP rs4130513, ClinGen allele CA16607425.

ClinVar aggregate classification (germline): Likely benign (1 of 4 stars; one submission).

gnomAD v4.1: 9 of 1,613,254 alleles (0.00056%); highest among the groups gnomAD compares: Non-Finnish European, 0.00076%; no homozygotes.

Submission:

GeneDx
Classification: Likely benign. Last evaluated: 2016-03-14. Review status: criteria provided, single submitter. Criteria: GeneDx Variant Classification (06012015). Collection method: clinical testing. Allele origin: germline. Affected: yes.
Comment: This variant is considered likely benign or benign based on one or more of the following criteria: it is a conservative change, it occurs at a poorly conserved position in the protein, it is predicted to be benign by multiple in silico algorithms, and/or has population frequency not consistent with disease.